The following is an entry in ClinVar:

NM_014585.6(SLC40A1):c.1250_1251insGACAAGAACAGTTTGACAGTCAGAAGGTGCCACAAATCCTGCATTCAAGGAGAGTC (p.Ser417_Ile418insThrArgThrValTer)

Gene: SLC40A1 (solute carrier family 40 member 1; minus strand). Cytogenetic location: 2q32.2.
Variant type: Insertion.
Coding change: c.1250_1251insGACAAGAACAGTTTGACAGTCAGAAGGTGCCACAAATCCTGCATTCAAGGAGAGTC on transcript NM_014585.6 (MANE Select); coding-DNA positions 1250 to 1251, GACAAGAACAGTTTGACAGTCAGAAGGTGCCACAAATCCTGCATTCAAGGAGAGTC inserted.
Protein change: p.Ser417_Ile418insThrArgThrValTer.
Molecular consequence: nonsense, inframe insertion.
Genome position: GRCh38: chr2:189,563,750-189,563,751. GRCh37 (hg19): chr2:190,428,476-190,428,477.
Identifiers: ClinVar variation 1209853 (VCV001209853.4), dbSNP rs2105620090, ClinGen allele CA2499215546.

ClinVar aggregate classification (germline): Likely pathogenic (1 of 4 stars; one submission).

Conditions:
Hemochromatosis type 4 (HFE4). Also called: HEMOCHROMATOSIS DUE TO DEFECT IN FERROPORTIN; HEMOCHROMATOSIS, AUTOSOMAL DOMINANT; Ferroportin disease. Identifiers: Orphanet 139491, Orphanet 647834, Orphanet 648562, MedGen C1853733, MONDO:0011631, OMIM 606069.

Submission:

Human Genetics Unit, University Of Colombo
Classification: Likely pathogenic for Hemochromatosis type 4. Last evaluated: 2021-02-01. Review status: criteria provided, single submitter. Criteria: ACMG Guidelines, 2015. Collection method: clinical testing. Allele origin: germline. Inheritance: Autosomal dominant inheritance. Affected: yes. Observed: 2 variant alleles, 2 heterozygotes.
Comment: Both patients were transfusion-dependent with iron overload. Moreover, parents were carriers for Beta Thalassaemia (confirmed by HPLC).

Literature cited by the submitters: PubMed 16813613; DOI 10.21203/rs.3.rs-541471/v1.